The following is an entry in ClinVar:

ClinVar aggregate classification (germline): Uncertain significance (1 of 4 stars; one submission).

Conditions:
Immunodeficiency 51 (IMD51). Also called: CANDIDIASIS, FAMILIAL, 5. Identifiers: Orphanet 1334, MedGen C4310803, MONDO:0013500, OMIM 613953.

Allele frequency attached by ClinVar (database versions not stated): gnomAD exomes below 0.00001; gnomAD 0.00001; TOPMed 0.00001.
gnomAD v4.1: 2 of 1,611,666 alleles (0.00012%); highest among the groups gnomAD compares: Non-Finnish European, 0.000085%; no homozygotes.

Submission:

Labcorp Genetics (formerly Invitae), Labcorp
Classification: Uncertain significance for Immunodeficiency 51. Last evaluated: 2022-01-15. Review status: criteria provided, single submitter. Criteria: Invitae Variant Classification Sherloc (09022015). Collection method: clinical testing. Allele origin: germline.
Comment: In summary, the available evidence is currently insufficient to determine the role of this variant in disease. Therefore, it has been classified as a Variant of Uncertain Significance. This sequence change replaces proline, which is neutral and non-polar, with leucine, which is neutral and non-polar, at codon 720 of the IL17RA protein (p.Pro720Leu). The frequency data for this variant in the population databases is considered unreliable, as metrics indicate poor data quality at this position in the gnomAD database. This variant has not been reported in the literature in individuals affected with IL17RA-related conditions. Algorithms developed to predict the effect of missense changes on protein structure and function are either unavailable or do not agree on the potential impact of this missense change (SIFT: "Deleterious"; PolyPhen-2: "Possibly Damaging"; Align-GVGD: "Class C0").

NM_014339.7(IL17RA):c.2159C>T (p.Pro720Leu)

Gene: IL17RA (interleukin 17 receptor A; plus strand). Cytogenetic location: 22q11.1.
Variant type: single nucleotide variant.
Coding change: c.2159C>T on transcript NM_014339.7 (MANE Select); coding-DNA position 2159, C replaced by T.
Protein change: p.Pro720Leu; replaces proline 720 with leucine.
Molecular consequence: missense variant.
Genome position (GRCh38, 1-based): chr22:17,109,378, C>T. VCF-style: chr22-17109378-C-T. GRCh37 (hg19) VCF-style: chr22-17590268-C-T.
Other names: c.2057C>T, p.Pro686Leu (NM_001289905.2); short protein forms P686L, P720L.
Identifiers: ClinVar variation 1394637 (VCV001394637.8), dbSNP rs928752107, ClinGen allele CA321153217.